The following is an entry in ClinVar:

NM_030962.4(SBF2):c.2164C>T (p.Arg722Cys)

Genes: SBF2 (SET binding factor 2; minus strand), LOC101928008 (uncharacterized LOC101928008; plus strand). Cytogenetic location: 11p15.4.
Variant type: single nucleotide variant.
Coding change: c.2164C>T on transcript NM_030962.4 (MANE Select); coding-DNA position 2164, C replaced by T.
Protein change: p.Arg722Cys; replaces arginine 722 with cysteine.
Molecular consequence: missense variant.
Genome position (GRCh38, 1-based): chr11:9,856,657, G>A on the plus strand (C>T on the coding strand, the complement: SBF2 is on the minus strand). VCF-style: chr11-9856657-G-A. GRCh37 (hg19) VCF-style: chr11-9878204-G-A.
Other names: c.2164C>T, p.Arg722Cys (NM_001386339.1); c.2035C>T, p.Arg679Cys (NM_001386342.1); short protein forms R722C, R679C.
Identifiers: ClinVar variation 806620 (VCV000806620.47), dbSNP rs753111342, ClinGen allele CA5881617.

ClinVar aggregate classification (germline): Uncertain significance. Review status: criteria provided, multiple submitters, no conflicts (2 of 4 stars). 3 submissions from 3 submitters: Uncertain significance (3). Last evaluated 2022-04-08.

Conditions:
Inborn genetic diseases. Identifiers: MedGen C0950123, MeSH D030342.
Charcot-Marie-Tooth disease type 4. Also called: Charcot-Marie-Tooth, Type 4; Charcot-Marie-Tooth disease, type IV. Identifiers: Orphanet 64749, MedGen C4082197, MONDO:0018995.

Allele frequency attached by ClinVar (database versions not stated): ExAC 0.00002; gnomAD 0.00003 and 0.00004; gnomAD exomes 0.00003; TOPMed 0.00003.
gnomAD v4.1: 33 of 1,613,994 alleles (0.002%); highest among the groups gnomAD compares: East Asian, 0.0089%; no homozygotes.

Submissions (3):

Ambry Genetics
Classification: Uncertain significance for Inborn genetic diseases. Last evaluated: 2022-04-08. Review status: criteria provided, single submitter. Criteria: Ambry Variant Classification Scheme 2023. Collection method: clinical testing. Allele origin: germline.
Comment: The p.R722C variant (also known as c.2164C>T), located in coding exon 19 of the SBF2 gene, results from a C to T substitution at nucleotide position 2164. The arginine at codon 722 is replaced by cysteine, an amino acid with highly dissimilar properties. This amino acid position is conserved. In addition, the in silico prediction for this alteration is inconclusive. Since supporting evidence is limited at this time, the clinical significance of this alteration remains unclear.

Labcorp Genetics (formerly Invitae), Labcorp
Classification: Uncertain significance for Charcot-Marie-Tooth disease type 4. Last evaluated: 2022-01-19. Review status: criteria provided, single submitter. Criteria: Invitae Variant Classification Sherloc (09022015). Collection method: clinical testing. Allele origin: germline.
Comment: This sequence change replaces arginine, which is basic and polar, with cysteine, which is neutral and slightly polar, at codon 722 of the SBF2 protein (p.Arg722Cys). This variant is present in population databases (rs753111342, gnomAD 0.02%). This variant has not been reported in the literature in individuals affected with SBF2-related conditions. ClinVar contains an entry for this variant (Variation ID: 806620). Algorithms developed to predict the effect of missense changes on protein structure and function are either unavailable or do not agree on the potential impact of this missense change (SIFT: "Deleterious"; PolyPhen-2: "Probably Damaging"; Align-GVGD: "Class C0"). In summary, the available evidence is currently insufficient to determine the role of this variant in disease. Therefore, it has been classified as a Variant of Uncertain Significance.

CeGaT Center for Human Genetics Tuebingen
Classification: Uncertain significance. Last evaluated: 2016-06-01. Review status: criteria provided, single submitter. Criteria: CeGaT Center For Human Genetics Tuebingen Variant Classification Criteria Version 2. Collection method: clinical testing. Allele origin: germline. Affected: yes. Observed: 1 variant allele.